The following is an entry in ClinVar:

ClinVar aggregate classification (germline): Pathogenic (1 of 4 stars; one submission).

Conditions:
Achondrogenesis, type IB (ACG1B). Also called: Achondrogenesis Type 1B. Identifiers: Orphanet 932, Orphanet 93298, MedGen C0265274, MONDO:0010966, OMIM 600972.
Diastrophic dysplasia (DTD). Also called: Diastrophic dwarfism. Identifiers: Orphanet 628, MedGen C0220726, MONDO:0009107, OMIM 222600.
Multiple epiphyseal dysplasia type 4 (EDM4). Also called: Multiple Epiphyseal Dysplasia, Recessive; MULTIPLE EPIPHYSEAL DYSPLASIA WITH BILAYERED PATELLAE; MULTIPLE EPIPHYSEAL DYSPLASIA WITH CLUBFOOT; MULTIPLE EPIPHYSEAL DYSPLASIA, AUTOSOMAL RECESSIVE; SLC26A2-Related Multiple Epiphyseal Dysplasia. Identifiers: Orphanet 93307, MedGen C1847593, MONDO:0009189, OMIM 226900.
Atelosteogenesis type II (AO2). Also called: NEONATAL OSSEOUS DYSPLASIA I; Neonatal osseous dysplasia 1; SLC26A2-Related Atelosteogenesis. Identifiers: Orphanet 56304, MedGen C1850554, MONDO:0009727, OMIM 256050.

Submission:

Labcorp Genetics (formerly Invitae), Labcorp
Classification: Pathogenic for Atelosteogenesis type II; Multiple epiphyseal dysplasia type 4; Achondrogenesis, type IB; Diastrophic dysplasia. Last evaluated: 2023-04-04. Review status: criteria provided, single submitter. Criteria: Invitae Variant Classification Sherloc (09022015). Collection method: clinical testing. Allele origin: germline.
Comment: This sequence change creates a premature translational stop signal (p.Leu321Serfs*21) in the SLC26A2 gene. While this is not anticipated to result in nonsense mediated decay, it is expected to disrupt the last 419 amino acid(s) of the SLC26A2 protein. This variant is not present in population databases (gnomAD no frequency). This variant has not been reported in the literature in individuals affected with SLC26A2-related conditions. This variant disrupts a region of the SLC26A2 protein in which other variant(s) (p.Ala715Val) have been determined to be pathogenic (PMID: 11448940, 15294877, 21077204). This suggests that this is a clinically significant region of the protein, and that variants that disrupt it are likely to be disease-causing. For these reasons, this variant has been classified as Pathogenic.

Literature cited by the submitters: PubMed 11448940; PubMed 15294877; PubMed 21077204.

NM_000112.4(SLC26A2):c.961del (p.Leu321fs)

Gene: SLC26A2 (solute carrier family 26 member 2; plus strand). Cytogenetic location: 5q32.
Variant type: Deletion.
Coding change: c.961del on transcript NM_000112.4 (MANE Select); coding-DNA position 961, one base deleted (C; older notation c.961delC).
Protein change: p.Leu321fs; shifts the reading frame from leucine 321.
Molecular consequence: frameshift variant.
Genome position (GRCh38, 1-based): chr5:149,980,554, C deleted. VCF-style (leftmost placement, unchanged base first): chr5-149980553-AC-A. GRCh37 (hg19) VCF-style: chr5-149360116-AC-A.
Other names: short protein forms L321fs.
Identifiers: ClinVar variation 2946123 (VCV002946123.3), dbSNP rs2480774684, ClinGen allele CA2740094146.